The following is an entry in ClinVar:

NM_139321.3(ATRN):c.3177C>A (p.His1059Gln)

Gene: ATRN (attractin; plus strand). Cytogenetic location: 20p13.
Variant type: single nucleotide variant.
Coding change: c.3177C>A on transcript NM_139321.3 (MANE Select); coding-DNA position 3177, C replaced by A.
Protein change: p.His1059Gln; replaces histidine 1059 with glutamine.
Molecular consequence: missense variant.
Genome position (GRCh38, 1-based): chr20:3,584,873, C>A. VCF-style: chr20-3584873-C-A. GRCh37 (hg19) VCF-style: chr20-3565520-C-A.
Other names: c.3177C>A (NM_139321.2); c.2829C>A, p.His943Gln (NM_001207047.3); c.3177C>A, p.His1059Gln (NM_001323332.2, NM_139322.4); short protein forms H943Q, H1059Q.
Identifiers: ClinVar variation 1423277 (VCV001423277.7), dbSNP rs774118992, ClinGen allele CA9744446.

ClinVar aggregate classification (germline): Uncertain significance. Review status: criteria provided, multiple submitters, no conflicts (2 of 4 stars). 2 submissions from 2 submitters: Uncertain significance (2). Last evaluated 2025-10-07.

Allele frequency attached by ClinVar (database versions not stated): gnomAD exomes 0.00001 and 0.00006; ExAC 0.00002.
gnomAD v4.1: 14 of 1,613,934 alleles (0.00087%); highest among the groups gnomAD compares: Admixed American, 0.022%; no homozygotes.

Submissions (2):

Ambry Genetics
Classification: Uncertain significance. Last evaluated: 2025-10-07. Review status: criteria provided, single submitter. Criteria: Ambry Variant Classification Scheme 2023. Collection method: clinical testing. Allele origin: germline.

Labcorp Genetics (formerly Invitae), Labcorp
Classification: Uncertain significance. Last evaluated: 2022-04-06. Review status: criteria provided, single submitter. Criteria: Invitae Variant Classification Sherloc (09022015). Collection method: clinical testing. Allele origin: germline.
Comment: In summary, the available evidence is currently insufficient to determine the role of this variant in disease. Therefore, it has been classified as a Variant of Uncertain Significance. Algorithms developed to predict the effect of missense changes on protein structure and function output the following: SIFT: "Tolerated"; PolyPhen-2: "Benign"; Align-GVGD: "Class C0". The glutamine amino acid residue is found in multiple mammalian species, which suggests that this missense change does not adversely affect protein function. This variant has not been reported in the literature in individuals affected with ATRN-related conditions. This variant is present in population databases (rs774118992, gnomAD 0.04%). This sequence change replaces histidine, which is basic and polar, with glutamine, which is neutral and polar, at codon 1059 of the ATRN protein (p.His1059Gln).